The following is an entry in ClinVar:

NM_005045.4(RELN):c.6976G>A (p.Asp2326Asn)

Gene: RELN (reelin; minus strand). Cytogenetic location: 7q22.1.
Variant type: single nucleotide variant.
Coding change: c.6976G>A on transcript NM_005045.4 (MANE Select); coding-DNA position 6976, G replaced by A.
Protein change: p.Asp2326Asn; replaces aspartic acid 2326 with asparagine.
Molecular consequence: missense variant.
Genome position (GRCh38, 1-based): chr7:103,539,282, C>T on the plus strand (G>A on the coding strand, the complement: RELN is on the minus strand). VCF-style: chr7-103539282-C-T. GRCh37 (hg19) VCF-style: chr7-103179729-C-T.
Other names: p.Asp2326Asn; c.6976G>A, p.Asp2326Asn (NM_173054.3); short protein forms D2326N.
Identifiers: ClinVar variation 651420 (VCV000651420.12), dbSNP rs768054802, ClinGen allele CA4420827.
Genomic context (GRCh38, chr7:103,539,282, plus strand): 5'-CGGGCATCTTGGTGCCTCCTGGGTGAAGCAGCCATTTCCTACTATCAAGGGTTGTGAAAT[C>T]ATCTTCCAAGACCGTATTACCAGAAATATTTCCTCCAATAAGAATCTGAAATGTATTTTT-3'
Protein context (NP_005036.2, residues 2316-2336): NISGNTVLED[Asp2326Asn]FTTLDSRKWL

ClinVar aggregate classification (germline): Conflicting classifications of pathogenicity. Review status: criteria provided, conflicting classifications (1 of 4 stars). 5 submissions from 5 submitters: Uncertain significance (4); Likely benign (1). Last evaluated 2025-08-07.

Conditions:
Epilepsy, familial temporal lobe, 1. Identifiers: Orphanet 101046, MedGen CN030884, MONDO:0700090, OMIM 600512.
Norman-Roberts syndrome (LIS2). Also called: Lissencephaly 2 (Norman-Roberts type). Identifiers: Orphanet 89844, MedGen C0796089, MONDO:0009760, OMIM 257320.
Familial temporal lobe epilepsy 7. Identifiers: Orphanet 101046, MedGen C4225327, MONDO:0014639, OMIM 616436.

Allele frequency attached by ClinVar (database versions not stated): gnomAD below 0.00001 and 0.00003; ExAC 0.00003; gnomAD exomes 0.00004 and 0.00006; TOPMed 0.00004.
gnomAD v4.1: 91 of 1,614,078 alleles (0.0056%); highest among the groups gnomAD compares: South Asian, 0.024%; no homozygotes.

Submissions (5):

Mayo Clinic Laboratories, Mayo Clinic
Classification: Uncertain significance. Last evaluated: 2025-08-07. Review status: criteria provided, single submitter. Criteria: ACMG Guidelines, 2015. Collection method: clinical testing. Allele origin: germline. Observed: 1 variant allele.
Comment: BP4, PM2_supporting

Labcorp Genetics (formerly Invitae), Labcorp
Classification: Likely benign for Familial temporal lobe epilepsy 7; Norman-Roberts syndrome. Last evaluated: 2025-04-11. Review status: criteria provided, single submitter. Criteria: Invitae Variant Classification Sherloc (09022015). Collection method: clinical testing. Allele origin: germline.

Blueprint Genetics
Classification: Uncertain significance. Last evaluated: 2024-10-07. Review status: criteria provided, single submitter. Criteria: ACMG Guidelines, 2015. Collection method: clinical testing. Allele origin: germline.

Fulgent Genetics
Classification: Uncertain significance for Norman-Roberts syndrome; Epilepsy, familial temporal lobe, 1; Familial temporal lobe epilepsy 7. Last evaluated: 2021-12-03. Review status: criteria provided, single submitter. Criteria: ACMG Guidelines, 2015. Collection method: clinical testing. Allele origin: unknown.

GeneDx
Classification: Uncertain significance. Last evaluated: 2019-03-29. Review status: criteria provided, single submitter. Criteria: GeneDx Variant Classification Process June 2021. Collection method: clinical testing. Allele origin: germline. Affected: yes.
Comment: Not observed at a significant frequency in large population cohorts (Lek et al., 2016); In silico analysis, which includes protein predictors and evolutionary conservation, supports that this variant does not alter protein structure/function; Has not been previously published as pathogenic or benign to our knowledge